The following is an entry in ClinVar:

ClinVar aggregate classification (germline): Likely pathogenic (1 of 4 stars; one submission).

Conditions:
RYR1-related disorder. Also called: RYR1-related condition; RYR1-related disorders. Identifiers: MedGen CN239331.

Submission:

Labcorp Genetics (formerly Invitae), Labcorp
Classification: Likely pathogenic for RYR1-related disorder. Last evaluated: 2023-12-06. Review status: criteria provided, single submitter. Criteria: Invitae Variant Classification Sherloc (09022015). Collection method: clinical testing. Allele origin: germline.
Comment: This sequence change affects an acceptor splice site in intron 103 of the RYR1 gene. It is expected to disrupt RNA splicing. Variants that disrupt the donor or acceptor splice site typically lead to a loss of protein function (PMID: 16199547), and loss-of-function variants in RYR1 are known to be pathogenic (PMID: 23919265, 25960145, 28818389, 30611313). This variant is not present in population databases (gnomAD no frequency). This variant has not been reported in the literature in individuals affected with RYR1-related conditions. Algorithms developed to predict the effect of sequence changes on RNA splicing suggest that this variant may disrupt the consensus splice site. In summary, the currently available evidence indicates that the variant is pathogenic, but additional data are needed to prove that conclusively. Therefore, this variant has been classified as Likely Pathogenic.

Literature cited by the submitters: PubMed 16199547; PubMed 23919265; PubMed 25960145; PubMed 28818389; PubMed 30611313.

NM_000540.3(RYR1):c.14869-2A>G

Gene: RYR1 (ryanodine receptor 1; plus strand). Cytogenetic location: 19q13.2.
Variant type: single nucleotide variant.
Coding change: c.14869-2A>G on transcript NM_000540.3 (MANE Select); the canonical splice acceptor site of the intron before coding-DNA position 14869, A replaced by G.
Molecular consequence: splice acceptor variant.
Genome position (GRCh38, 1-based): chr19:38,586,089, A>G. VCF-style: chr19-38586089-A-G. GRCh37 (hg19) VCF-style: chr19-39076729-A-G.
Other names: c.14854-2A>G (NM_001042723.2).
Identifiers: ClinVar variation 2701325 (VCV002701325.3), dbSNP rs2514779743, ClinGen allele CA405692588.